The following is an entry in ClinVar:

ClinVar aggregate classification (germline): Pathogenic. Review status: criteria provided, multiple submitters, no conflicts (2 of 4 stars). 2 submissions from 2 submitters: Pathogenic (2). Last evaluated 2025-08-09.

Allele frequency attached by ClinVar (database versions not stated): ExAC 0.00001; gnomAD exomes 0.00001; gnomAD 0.00004; TOPMed 0.00005.
gnomAD v4.1: 30 of 1,611,398 alleles (0.0019%); highest among the groups gnomAD compares: African/African-American, 0.0053%; no homozygotes.

Submissions (2):

Labcorp Genetics (formerly Invitae), Labcorp
Classification: Pathogenic. Last evaluated: 2025-08-09. Review status: criteria provided, single submitter. Criteria: Invitae Variant Classification Sherloc (09022015). Collection method: clinical testing. Allele origin: germline.
Comment: This sequence change creates a premature translational stop signal (p.Arg1704*) in the SI gene. It is expected to result in an absent or disrupted protein product. Loss-of-function variants in SI are known to be pathogenic (PMID: 16329100, 23103650, 25452324). This variant is present in population databases (rs779803851, gnomAD 0.004%). This variant has not been reported in the literature in individuals affected with SI-related conditions. ClinVar contains an entry for this variant (Variation ID: 265618). For these reasons, this variant has been classified as Pathogenic.

GeneDx
Classification: Pathogenic. Last evaluated: 2023-02-28. Review status: criteria provided, single submitter. Criteria: GeneDx Variant Classification Process June 2021. Collection method: clinical testing. Allele origin: germline. Affected: yes.
Comment: Nonsense variant predicted to result in protein truncation or nonsense mediated decay in a gene for which loss of function is a known mechanism of disease; Not observed at significant frequency in large population cohorts (gnomAD); Has not been previously reported as pathogenic or benign germline variant in association with an SI-related disorder to our knowledge; This variant is associated with the following publications: (PMID: 23525077, 31589614, 26168399)

Literature cited by the submitters: PubMed 16329100 (cited by Labcorp Genetics (formerly Invitae), Labcorp); PubMed 23103650 (cited by Labcorp Genetics (formerly Invitae), Labcorp); PubMed 25452324 (cited by Labcorp Genetics (formerly Invitae), Labcorp).

NM_001041.4(SI):c.5110C>T (p.Arg1704Ter)

Gene: SI (sucrase-isomaltase; minus strand). Cytogenetic location: 3q26.1.
Variant type: single nucleotide variant.
Coding change: c.5110C>T on transcript NM_001041.4 (MANE Select); coding-DNA position 5110, C replaced by T.
Protein change: p.Arg1704Ter; replaces arginine 1704 with a stop codon.
Molecular consequence: nonsense.
Genome position (GRCh38, 1-based): chr3:164,987,225, G>A on the plus strand (C>T on the coding strand, the complement: SI is on the minus strand). VCF-style: chr3-164987225-G-A. GRCh37 (hg19) VCF-style: chr3-164705013-G-A.
Other names: short protein forms R1704*.
Identifiers: ClinVar variation 265618 (VCV000265618.14), dbSNP rs779803851, ClinGen allele CA2689641.
Genomic context (GRCh38, chr3:164,987,225, plus strand): 5'-GAGAACCCTGTGCCATCTGATTATCATCTGCAGCAACAATGAGCTTCATGTGTTTTTGTC[G>A]ACTATAAGAAAGAAATATATAATTTTACCCATGTTTGTAGAATAGCATATGTCTAGTTAT-3'